The following is an entry in ClinVar:

ClinVar aggregate classification (germline): Uncertain significance. Review status: reviewed by expert panel (3 of 4 stars). 2 submissions from 2 submitters: Uncertain significance (1). 1 of the submissions does not count toward it. Last evaluated 2024-09-16.

Conditions:
Hereditary thrombocytopenia and hematologic cancer predisposition syndrome. Identifiers: Orphanet 71290, MedGen CN281654, MONDO:0011071.
Hereditary thrombocytopenia and hematological cancer predisposition syndrome associated with RUNX1. Also called: Familial Platelet Disorder with Propensity to Acute Myelogenous Leukemia; Familial thrombocytopenia with propensity to acute myelogenous leukemia; PLATELET DISORDER, ASPIRIN-LIKE; RUNX1 Familial Platelet Disorder with Associated Myeloid Malignancies. Identifiers: Orphanet 71290, MedGen C1832388, MeSH C563324, MONDO:0100083, OMIM 601399.

Submissions (2):

ClinGen Myeloid Malignancy Variant Curation Expert Panel
Classification: Uncertain significance for Hereditary thrombocytopenia and hematologic cancer predisposition syndrome. Last evaluated: 2024-09-16. Review status: reviewed by expert panel. Criteria: ClinGen MyeloMalig ACMG Specifications v2. Collection method: curation. Allele origin: germline. Inheritance: Autosomal dominant inheritance.
Comment: NM_001754.5(RUNX1):c.25T>A (p.Ser9Thr) is a missense variant which has a REVEL score < 0.50 (0.414), and a SpliceAI score ≤ 0.20 (0.03) (BP4). This variant is completely absent from all population databases with at least 20x coverage for RUNX1 (PM2_Supporting). In summary, the clinical significance of this variant is uncertain. ACMG/AMP criteria applied, as specified by the Myeloid Malignancy Variant Curation Expert Panel for RUNX1: BP4, PM2_supporting.

Labcorp Genetics (formerly Invitae), Labcorp
Classification: Uncertain significance for Hereditary thrombocytopenia and hematological cancer predisposition syndrome associated with RUNX1. Last evaluated: 2023-02-20. Review status: criteria provided, single submitter. Criteria: Invitae Variant Classification Sherloc (09022015). Collection method: clinical testing. Allele origin: germline. Not counted in ClinVar's aggregate classification.
Comment: In summary, the available evidence is currently insufficient to determine the role of this variant in disease. Therefore, it has been classified as a Variant of Uncertain Significance. An algorithm developed to predict the effect of missense changes on protein structure and function (PolyPhen-2) suggests that this variant is likely to be disruptive. This variant has not been reported in the literature in individuals affected with RUNX1-related conditions. This variant is not present in population databases (gnomAD no frequency). This sequence change replaces serine, which is neutral and polar, with threonine, which is neutral and polar, at codon 9 of the RUNX1 protein (p.Ser9Thr).

NM_001754.5(RUNX1):c.25T>A (p.Ser9Thr)

Gene: RUNX1 (RUNX family transcription factor 1; minus strand). Cytogenetic location: 21q22.12.
Variant type: single nucleotide variant.
Coding change: c.25T>A on transcript NM_001754.5 (MANE Select); coding-DNA position 25, T replaced by A.
Protein change: p.Ser9Thr; replaces serine 9 with threonine.
Molecular consequence: missense variant.
Genome position (GRCh38, 1-based): chr21:35,048,875, A>T on the plus strand (T>A on the coding strand, the complement: RUNX1 is on the minus strand). VCF-style: chr21-35048875-A-T. GRCh37 (hg19) VCF-style: chr21-36421172-A-T.
Other names: NM_001754.5(RUNX1):c.25T>A; p.Ser9Thr; short protein forms S9T.
Identifiers: ClinVar variation 2839110 (VCV002839110.4), dbSNP rs2517384151, ClinGen allele CA410208258.